The following is an entry in ClinVar:

ClinVar aggregate classification (germline): Uncertain significance. Review status: criteria provided, multiple submitters, no conflicts (2 of 4 stars). 2 submissions from 2 submitters: Uncertain significance (2). Last evaluated 2024-04-20.

Conditions:
Short-rib thoracic dysplasia 10 with or without polydactyly (SRTD10). Identifiers: Orphanet 474, MedGen C3810175, MONDO:0014284, OMIM 615630.
Retinitis pigmentosa 71 (RP71). Identifiers: Orphanet 791, MedGen C4225342, MONDO:0014618, OMIM 616394.
Bardet-Biedl syndrome 20. Identifiers: MedGen C4310707, MONDO:0023670, OMIM 619471, MONDO:0014926.

Allele frequency attached by ClinVar (database versions not stated): gnomAD exomes below 0.00001.
gnomAD v4.1: 1 of 1,610,866 alleles (0.000062%); highest among the groups gnomAD compares: South Asian, 0.0011%; no homozygotes.

Submissions (2):

Fulgent Genetics
Classification: Uncertain significance for Short-rib thoracic dysplasia 10 with or without polydactyly; Retinitis pigmentosa 71; Bardet-Biedl syndrome 20. Last evaluated: 2024-04-20. Review status: criteria provided, single submitter. Criteria: ACMG Guidelines, 2015. Collection method: clinical testing. Allele origin: germline.

Labcorp Genetics (formerly Invitae), Labcorp
Classification: Uncertain significance for Retinitis pigmentosa 71; Short-rib thoracic dysplasia 10 with or without polydactyly. Last evaluated: 2022-11-22. Review status: criteria provided, single submitter. Criteria: Invitae Variant Classification Sherloc (09022015). Collection method: clinical testing. Allele origin: germline.
Comment: In summary, the available evidence is currently insufficient to determine the role of this variant in disease. Therefore, it has been classified as a Variant of Uncertain Significance. Algorithms developed to predict the effect of sequence changes on RNA splicing suggest that this variant may disrupt the consensus splice site. Algorithms developed to predict the effect of missense changes on protein structure and function are either unavailable or do not agree on the potential impact of this missense change (SIFT: "Deleterious"; PolyPhen-2: "Benign"; Align-GVGD: "Class C0"). This variant has not been reported in the literature in individuals affected with IFT172-related conditions. This variant is present in population databases (no rsID available, gnomAD 0.003%). This sequence change replaces glutamic acid, which is acidic and polar, with lysine, which is basic and polar, at codon 1238 of the IFT172 protein (p.Glu1238Lys).

NM_015662.3(IFT172):c.3712G>A (p.Glu1238Lys)

Genes: IFT172 (intraflagellar transport 172; minus strand), LOC126806173 (BRD4-independent group 4 enhancer GRCh37_chr2:27676057-27677256; plus strand). Cytogenetic location: 2p23.3.
Variant type: single nucleotide variant.
Coding change: c.3712G>A on transcript NM_015662.3 (MANE Select); coding-DNA position 3712, G replaced by A.
Protein change: p.Glu1238Lys; replaces glutamic acid 1238 with lysine.
Molecular consequence: missense variant.
Genome position (GRCh38, 1-based): chr2:27,453,739, C>T on the plus strand (G>A on the coding strand, the complement: IFT172 is on the minus strand). VCF-style: chr2-27453739-C-T. GRCh37 (hg19) VCF-style: chr2-27676606-C-T.
Other names: c.3646G>A, p.Glu1216Lys (NM_001410739.1); short protein forms E1216K, E1238K.
Identifiers: ClinVar variation 1950397 (VCV001950397.6), dbSNP rs1395282355, ClinGen allele CA346378099.